The following is an entry in ClinVar:

ClinVar aggregate classification (germline): Uncertain significance (1 of 4 stars; one submission).

Submission:

GeneDx
Classification: Uncertain significance. Last evaluated: 2019-07-05. Review status: criteria provided, single submitter. Criteria: GeneDx Variant Classification Process June 2021. Collection method: clinical testing. Allele origin: germline. Affected: yes.
Comment: Not observed in large population cohorts (Lek et al., 2016); In silico analysis, which includes protein predictors and evolutionary conservation, supports a deleterious effect; Has not been previously published as pathogenic or benign to our knowledge

NM_000276.4(OCRL):c.2245G>A (p.Ala749Thr)

Gene: OCRL (OCRL inositol polyphosphate-5-phosphatase; plus strand). Cytogenetic location: Xq26.1.
Variant type: single nucleotide variant.
Coding change: c.2245G>A on transcript NM_000276.4 (MANE Select); coding-DNA position 2245, G replaced by A.
Protein change: p.Ala749Thr; replaces alanine 749 with threonine.
Molecular consequence: missense variant.
Genome position (GRCh38, 1-based): chrX:129,587,107, G>A. VCF-style: chrX-129587107-G-A. GRCh37 (hg19) VCF-style: chrX-128721084-G-A.
Other names: c.2248G>A, p.Ala750Thr (NM_001318784.2); c.2221G>A, p.Ala741Thr (NM_001587.4); short protein forms A741T, A749T, A750T.
Identifiers: ClinVar variation 1306903 (VCV001306903.2), dbSNP rs751678290, ClinGen allele CA414628262.